The following is an entry in ClinVar:

ClinVar aggregate classification (germline): Benign/Likely benign. Review status: criteria provided, multiple submitters, no conflicts (2 of 4 stars). 8 submissions from 8 submitters: Benign (1); Likely benign (6). 1 of the submissions does not count toward it. Last evaluated 2026-02-16.

Conditions:
DYNC2H1-related disorder. Also called: DYNC2H1-related condition; DYNC2H1-related disorders. Identifiers: MedGen CN378770.
Jeune thoracic dystrophy. Also called: Short-rib thoracic dysplasia; Jeune syndrome; Infantile thoracic dystrophy; Thoracic pelvic phalangeal dystrophy; Jeune's syndrome; Chondroectodermal dysplasia-like syndrome. Identifiers: Orphanet 474, MedGen C0265275, MONDO:0018770.

Allele frequency attached by ClinVar (database versions not stated): gnomAD exomes 0.00006 and 0.00019; ExAC 0.00027; TOPMed 0.00087; gnomAD 0.00095 and 0.00102; ESP Exome Variant Server 0.00121; 1000 Genomes Project 0.00140; 1000 Genomes Project 30x 0.00141.
gnomAD v4.1: 241 of 1,613,010 alleles (0.015%); highest among the groups gnomAD compares: African/African-American, 0.3%; 1 homozygote.

Submissions (8):

Women's Health and Genetics/Laboratory Corporation of America, LabCorp
Classification: Likely benign. Last evaluated: 2026-02-16. Review status: criteria provided, single submitter. Criteria: LabCorp Variant Classification Summary - May 2015. Collection method: clinical testing. Allele origin: germline.

Labcorp Genetics (formerly Invitae), Labcorp
Classification: Benign for Jeune thoracic dystrophy. Last evaluated: 2026-01-18. Review status: criteria provided, single submitter. Criteria: Invitae Variant Classification Sherloc (09022015). Collection method: clinical testing. Allele origin: germline.

Blueprint Genetics
Classification: Likely benign. Last evaluated: 2023-10-21. Review status: criteria provided, single submitter. Criteria: ACMG Guidelines, 2015. Collection method: clinical testing. Allele origin: germline.

Genetic Services Laboratory, University of Chicago
Classification: Likely benign. Last evaluated: 2020-03-17. Review status: criteria provided, single submitter. Criteria: ACMG Guidelines, 2015. Collection method: clinical testing. Allele origin: germline. Affected: no.

GeneDx
Classification: Likely benign. Last evaluated: 2018-09-10. Review status: criteria provided, single submitter. Criteria: GeneDx Variant Classification Process June 2021. Collection method: clinical testing. Allele origin: germline. Affected: yes.

ARUP Laboratories, Molecular Genetics and Genomics, ARUP Laboratories
Classification: Likely benign. Last evaluated: 2018-03-25. Review status: criteria provided, single submitter. Criteria: ARUP Molecular Germline Variant Investigation Process. Collection method: clinical testing. Allele origin: germline.
Comment: The c.6918A>G; p.Ser2306Ser variant (rs368824340, ClinVar variant ID 281774) does not alter the amino acid sequence of the DYNC2H1 protein and computational splice site prediction algorithms do not predict a change in the nearest splice site or creation of a cryptic splice site. This variant has not been reported in association with skeletal dysplasia in medical literature or in gene specific variation databases. This variant is listed in the genome Aggregation Database (gnomAD) with an African population frequency of 0.3% (identified on 75 out of 23,996 chromosomes). Based on the available information, the c.6918A>G variant is likely to be benign.

Eurofins Ntd Llc (ga)
Classification: Likely benign. Last evaluated: 2015-07-28. Review status: criteria provided, single submitter. Criteria: EGL Classification Definitions 2015. Collection method: clinical testing. Allele origin: germline. Observed: 1 variant allele, 1 heterozygote.

PreventionGenetics, part of Exact Sciences
Classification: Likely benign for DYNC2H1-related condition. Last evaluated: 2020-10-12. Review status: no assertion criteria provided. Collection method: clinical testing. Allele origin: germline. Not counted in ClinVar's aggregate classification.
Comment: This variant is classified as likely benign based on ACMG/AMP sequence variant interpretation guidelines (Richards et al. 2015 PMID: 25741868, with internal and published modifications).

NM_001377.3(DYNC2H1):c.6918A>G (p.Ser2306=)

Gene: DYNC2H1 (dynein cytoplasmic 2 heavy chain 1; plus strand). Cytogenetic location: 11q22.3.
Variant type: single nucleotide variant.
Coding change: c.6918A>G on transcript NM_001377.3 (MANE Select); coding-DNA position 6918, A replaced by G.
Protein change: p.Ser2306=; no amino-acid change (serine 2306 retained).
Molecular consequence: synonymous variant.
Genome position (GRCh38, 1-based): chr11:103,187,364, A>G. VCF-style: chr11-103187364-A-G. GRCh37 (hg19) VCF-style: chr11-103058093-A-G.
Other names: c.6918A>G, p.Ser2306= (NM_001080463.2).
Identifiers: ClinVar variation 281774 (VCV000281774.30), dbSNP rs368824340, ClinGen allele CA6254110.